The following is an entry in ClinVar:

ClinVar aggregate classification (germline): Likely benign (1 of 4 stars; one submission).

gnomAD v4.1: 1 of 1,214,328 alleles (0.000082%); highest among the groups gnomAD compares: Non-Finnish European, 0.0001%; no homozygotes.

Submission:

CeGaT Center for Human Genetics Tuebingen
Classification: Likely benign. Last evaluated: 2026-08-01. Review status: criteria provided, single submitter. Criteria: CeGaT Center For Human Genetics Tuebingen Variant Classification Criteria Version 2. Collection method: clinical testing. Allele origin: germline. Affected: yes. Observed: 2 variant alleles.
Comment: ADRB1: BP4, BP7

NM_000684.3(ADRB1):c.834G>A (p.Ser278=)

Gene: ADRB1 (adrenoceptor beta 1; plus strand). Cytogenetic location: 10q25.3.
Variant type: single nucleotide variant.
Coding change: c.834G>A on transcript NM_000684.3 (MANE Select); coding-DNA position 834, G replaced by A.
Protein change: p.Ser278=; no amino-acid change (serine 278 retained).
Molecular consequence: synonymous variant.
Genome position (GRCh38, 1-based): chr10:114,044,966, G>A. VCF-style: chr10-114044966-G-A. GRCh37 (hg19) VCF-style: chr10-115804725-G-A.
Identifiers: ClinVar variation 4534029 (VCV004534029.6).